The following is an entry in ClinVar:

NM_001145026.2(PTPRQ):c.1742G>A (p.Ser581Asn)

Gene: PTPRQ (protein tyrosine phosphatase receptor type Q; plus strand). Cytogenetic location: 12q21.31.
Variant type: single nucleotide variant.
Coding change: c.1742G>A on transcript NM_001145026.2 (MANE Select); coding-DNA position 1742, G replaced by A.
Protein change: p.Ser581Asn; replaces serine 581 with asparagine.
Molecular consequence: missense variant.
Genome position (GRCh38, 1-based): chr12:80,495,231, G>A. VCF-style: chr12-80495231-G-A. GRCh37 (hg19) VCF-style: chr12-80889010-G-A.
Other names: short protein forms S581N.
Identifiers: ClinVar variation 3364839 (VCV003364839.1).

ClinVar aggregate classification (germline): Uncertain significance (1 of 4 stars; one submission).

gnomAD v4.1: 27 of 1,539,274 alleles (0.0018%); highest among the groups gnomAD compares: Non-Finnish European, 0.0023%; no homozygotes.

Submission:

GeneDx
Classification: Uncertain significance. Last evaluated: 2023-11-30. Review status: criteria provided, single submitter. Criteria: GeneDx Variant Classification Process June 2021. Collection method: clinical testing. Allele origin: germline. Affected: yes.
Comment: Not observed at significant frequency in large population cohorts (gnomAD); In silico analysis supports that this missense variant has a deleterious effect on protein structure/function; In silico analysis suggests this variant may impact gene splicing. In the absence of RNA/functional studies, the actual effect of this sequence change is unknown.; Has not been previously published as pathogenic or benign to our knowledge